The following is an entry in ClinVar:

ClinVar aggregate classification (germline): Uncertain significance. Review status: criteria provided, single submitter (1 of 4 stars). 2 submissions from 2 submitters: Uncertain significance (1). 1 of the submissions does not count toward it. Last evaluated 2024-10-30.

Conditions:
DIAPH1-related disorder. Also called: DIAPH1-related condition.
Autosomal dominant nonsyndromic hearing loss 1. Also called: KONIGSMARK SYNDROME; DEAFNESS, AUTOSOMAL DOMINANT 1, WITH OR WITHOUT THROMBOCYTOPENIA. Identifiers: Orphanet 90635, MedGen C1852282, MONDO:0007424, OMIM 124900.
Progressive microcephaly-seizures-cortical blindness-developmental delay syndrome. Also called: Seizures, cortical blindness, and microcephaly syndrome. Identifiers: Orphanet 477814, MedGen C5567650, MONDO:0014714, OMIM 616632.

Allele frequency attached by ClinVar (database versions not stated): gnomAD 0.00001; gnomAD exomes 0.00001; TOPMed 0.00002.
gnomAD v4.1: 14 of 1,612,618 alleles (0.00087%); highest among the groups gnomAD compares: Non-Finnish European, 0.0011%; no homozygotes.

Submissions (2):

Labcorp Genetics (formerly Invitae), Labcorp
Classification: Uncertain significance for Progressive microcephaly-seizures-cortical blindness-developmental delay syndrome; Autosomal dominant nonsyndromic hearing loss 1. Last evaluated: 2024-10-30. Review status: criteria provided, single submitter. Criteria: Invitae Variant Classification Sherloc (09022015). Collection method: clinical testing. Allele origin: germline.
Comment: This sequence change falls in intron 7 of the DIAPH1 gene. It does not directly change the encoded amino acid sequence of the DIAPH1 protein. It affects a nucleotide within the consensus splice site. This variant is present in population databases (no rsID available, gnomAD 0.002%). This variant has not been reported in the literature in individuals affected with DIAPH1-related conditions. ClinVar contains an entry for this variant (Variation ID: 1516334). Variants that disrupt the consensus splice site are a relatively common cause of aberrant splicing (PMID: 17576681, 9536098). Algorithms developed to predict the effect of sequence changes on RNA splicing suggest that this variant is not likely to affect RNA splicing. In summary, the available evidence is currently insufficient to determine the role of this variant in disease. Therefore, it has been classified as a Variant of Uncertain Significance.

PreventionGenetics, part of Exact Sciences
Classification: Likely benign for DIAPH1-related condition. Last evaluated: 2019-04-25. Review status: no assertion criteria provided. Collection method: clinical testing. Allele origin: germline. Not counted in ClinVar's aggregate classification.
Comment: This variant is classified as likely benign based on ACMG/AMP sequence variant interpretation guidelines (Richards et al. 2015 PMID: 25741868, with internal and published modifications).

Literature cited by the submitters: PubMed 17576681 (cited by Labcorp Genetics (formerly Invitae), Labcorp); PubMed 9536098 (cited by Labcorp Genetics (formerly Invitae), Labcorp).

NM_005219.5(DIAPH1):c.684+6A>G

Gene: DIAPH1 (diaphanous related formin 1; minus strand). Cytogenetic location: 5q31.3.
Variant type: single nucleotide variant.
Coding change: c.684+6A>G on transcript NM_005219.5 (MANE Select); 6 bases into the intron after coding-DNA position 684, A replaced by G.
Molecular consequence: intron variant.
Genome position (GRCh38, 1-based): chr5:141,582,306, T>C on the plus strand (A>G on the coding strand, the complement: DIAPH1 is on the minus strand). VCF-style: chr5-141582306-T-C. GRCh37 (hg19) VCF-style: chr5-140961873-T-C.
Other names: c.684+6A>G (NM_005219.4, NM_001314007.2); c.657+6A>G (NM_001079812.3).
Identifiers: ClinVar variation 1516334 (VCV001516334.8), dbSNP rs1038136298, ClinGen allele CA128441807.